The following is an entry in ClinVar:

NM_014336.5(AIPL1):c.73C>A (p.Pro25Thr)

Gene: AIPL1 (AIP like 1 HSP90 co-chaperone; minus strand). Cytogenetic location: 17p13.2.
Variant type: single nucleotide variant.
Coding change: c.73C>A on transcript NM_014336.5 (MANE Select); coding-DNA position 73, C replaced by A.
Protein change: p.Pro25Thr; replaces proline 25 with threonine.
Molecular consequence: missense variant. On other transcripts: 5 prime UTR variant (1).
Genome position (GRCh38, 1-based): chr17:6,435,032, G>T on the plus strand (C>A on the coding strand, the complement: AIPL1 is on the minus strand). VCF-style: chr17-6435032-G-T. GRCh37 (hg19) VCF-style: chr17-6338352-G-T.
Other names: NM_014336.5(AIPL1):c.73C>A; p.Pro25Thr; c.73C>A, p.Pro25Thr (NM_001033054.3, NM_001033055.3, NM_001285399.3 and 3 more transcripts); c.-103C>A (NM_001285402.2); short protein forms P25T.
Identifiers: ClinVar variation 324623 (VCV000324623.15), dbSNP rs886053268, ClinGen allele CA10650684.

ClinVar aggregate classification (germline): Uncertain significance. Review status: reviewed by expert panel (3 of 4 stars). 4 submissions from 3 submitters: Uncertain significance (1). 3 of the submissions do not count toward it. Last evaluated 2025-09-29.

Conditions:
AIPL1-related retinopathy. Also called: AIPL1 retinopathy. Identifiers: MedGen CN305590, MONDO:0100438.
Leber congenital amaurosis 4 (LCA4). Identifiers: MedGen C1858386, MONDO:0011458, OMIM 604393.
Retinitis pigmentosa (RP). Identifiers: Orphanet 791, MedGen C0035334, MeSH D012174, MONDO:0019200, OMIM 268000. Inheritance: Autosomal dominant, autosomal recessive and X linked inheritance.

gnomAD v4.1: 18 of 1,614,198 alleles (0.0011%); highest among the groups gnomAD compares: Non-Finnish European, 0.0014%; no homozygotes.

Submissions (4):

ClinGen Leber Congenital Amaurosis/early Onset Retinal Dystrophy Variant Curation Expert Panel, ClinGen
Classification: Uncertain significance for AIPL1-related retinopathy. Last evaluated: 2025-09-29. Review status: reviewed by expert panel. Criteria: ClinGen LCAeoRD ACMG Specifications AIPL1 V1.0.0. Collection method: curation. Allele origin: germline. Inheritance: Autosomal recessive inheritance.
Comment: NM_014336.5(AIPL1):c.73C>A (p.Pro25Thr) is a missense variant replacing the proline at position p.25 with threonine. This variant is present in gnomAD v.4.1.0 at a total allele frequency of 0.00001115, with 18 / 1614198 total alleles, which is lower than the ClinGen LCA/eoRD VCEP PM2_Supporting threshold of <0.0004 (PM2_Supporting). The computational predictor REVEL gives a score of 0.836, which is above the ClinGen LCA/eoRD VCEP threshold of ≥0.774 and predicts a damaging effect on AIPL1 protein function (PP3_Moderate). Additionally, the splicing impact predictor SpliceAI gives a score of 0.0, which is below the ClinGen LCA/eoRD VCEP recommended threshold of ≥0.2 and does not strongly predict an impact on splicing. There are no reports in the literature of this variant. In summary, this variant meets the criteria to be classified as a VUS for AIPL1-related retinopathy based on the ACMG/AMP criteria applied, as specified by the ClinGen LCA/eoRD VCEP: PM2_Supporting and PP3_moderate. (VCEP specifications version 1.0.0; date of approval 09/24/2025).

Labcorp Genetics (formerly Invitae), Labcorp
Classification: Uncertain significance for Leber congenital amaurosis 4. Last evaluated: 2019-11-11. Review status: criteria provided, single submitter. Criteria: Invitae Variant Classification Sherloc (09022015). Collection method: clinical testing. Allele origin: germline. Not counted in ClinVar's aggregate classification.
Comment: This variant has not been reported in the literature in individuals with AIPL1-related conditions. ClinVar contains an entry for this variant (Variation ID: 324623). In summary, the available evidence is currently insufficient to determine the role of this variant in disease. Therefore, it has been classified as a Variant of Uncertain Significance. Algorithms developed to predict the effect of missense changes on protein structure and function are either unavailable or do not agree on the potential impact of this missense change (SIFT: "Deleterious"; PolyPhen-2: "Probably Damaging"; Align-GVGD: "Class C0"). This sequence change replaces proline with threonine at codon 25 of the AIPL1 protein (p.Pro25Thr). The proline residue is highly conserved and there is a small physicochemical difference between proline and threonine. This variant is not present in population databases (ExAC no frequency).

Illumina Laboratory Services, Illumina
Classification: Uncertain significance for Leber congenital amaurosis 4. Last evaluated: 2018-01-12. Review status: criteria provided, single submitter. Criteria: ICSL Variant Classification Criteria 13 December 2019. Collection method: clinical testing. Allele origin: germline. Not counted in ClinVar's aggregate classification.

Illumina Laboratory Services, Illumina
Classification: Uncertain significance for Retinitis pigmentosa. Last evaluated: 2018-01-12. Review status: criteria provided, single submitter. Criteria: ICSL Variant Classification Criteria 13 December 2019. Collection method: clinical testing. Allele origin: germline. Not counted in ClinVar's aggregate classification.